The following is an entry in ClinVar:

ClinVar aggregate classification (germline): Uncertain significance. Review status: criteria provided, multiple submitters, no conflicts (2 of 4 stars). 3 submissions from 3 submitters: Uncertain significance (2). 1 of the submissions does not count toward it. Last evaluated 2025-08-08.

Conditions:
Charlevoix-Saguenay spastic ataxia (SACS). Also called: AUTOSOMAL RECESSIVE SPASTIC ATAXIA OF CHARLEVOIX-SAGUENAY; SPASTIC ATAXIA 6, AUTOSOMAL RECESSIVE; Spastic ataxia of Charlevoix-Saguenay. Identifiers: Orphanet 98, MedGen C1849140, MONDO:0010041, OMIM 270550.

Allele frequency attached by ClinVar (database versions not stated): gnomAD exomes below 0.00001 and 0.00001; gnomAD 0.00001; TOPMed 0.00001.
gnomAD v4.1: 14 of 1,613,358 alleles (0.00087%); highest among the groups gnomAD compares: Non-Finnish European, 0.0012%; no homozygotes.

Submissions (3):

Myriad Genetics, Inc.
Classification: Uncertain significance for Charlevoix-Saguenay spastic ataxia. Last evaluated: 2025-08-08. Review status: criteria provided, single submitter. Criteria: Myriad Autosomal Dominant, Autosomal Recessive and X-Linked Classification Criteria (2023). Collection method: clinical testing. Allele origin: unknown.
Comment: NM_014363.4(SACS):c.3408T>G(N1136K) is a missense variant classified as a variant of uncertain significance in the context of autosomal recessive spastic ataxia of Charlevoix-Saguenay. N1136K has been observed in a case with relevant disease (PMID: 35588347). Relevant functional assessments of this variant are not available in the literature. N1136K has been observed in referenced population frequency databases. In summary, there is insufficient evidence to classify NM_014363.4(SACS):c.3408T>G(N1136K) as pathogenic or benign. Please note: this variant was assessed in the context of healthy population screening.

Athena Diagnostics
Classification: Uncertain significance. Last evaluated: 2017-07-19. Review status: criteria provided, single submitter. Criteria: Athena Diagnostics Criteria. Collection method: clinical testing. Allele origin: germline.

Natera, Inc.
Classification: Uncertain significance for Charlevoix-Saguenay type spastic ataxia. Last evaluated: 2021-05-21. Review status: no assertion criteria provided. Collection method: clinical testing. Allele origin: germline. Not counted in ClinVar's aggregate classification.

Literature cited by the submitters: PubMed 35588347 (cited by Myriad Genetics, Inc.).

NM_014363.6(SACS):c.3408T>G (p.Asn1136Lys)

Gene: SACS (sacsin molecular chaperone; minus strand). Cytogenetic location: 13q12.12.
Variant type: single nucleotide variant.
Coding change: c.3408T>G on transcript NM_014363.6 (MANE Select); coding-DNA position 3408, T replaced by G.
Protein change: p.Asn1136Lys; replaces asparagine 1136 with lysine.
Molecular consequence: missense variant.
Genome position (GRCh38, 1-based): chr13:23,340,468, A>C on the plus strand (T>G on the coding strand, the complement: SACS is on the minus strand). VCF-style: chr13-23340468-A-C. GRCh37 (hg19) VCF-style: chr13-23914607-A-C.
Other names: c.2967T>G, p.Asn989Lys (NM_001278055.2); short protein forms N1136K, N989K.
Identifiers: ClinVar variation 448202 (VCV000448202.3), dbSNP rs756303420, ClinGen allele CA246662269.
Genomic context (GRCh38, chr13:23,340,468, plus strand): 5'-CCATTTTATTTTCTTCAATGTCATCTTTCCTTCAGATGATTGCAACAGTGTGTGATTCTT[A>C]TTTAAAACCAGTAAGAGGGTTTTGGCTTTCTTCAGAAGAACATCTTGATCAGGACAAGCA-3'
Protein context (NP_055178.3, residues 1126-1146): KKAKTLLLVL[Asn1136Lys]KNHTLLQSSE